The following is an entry in ClinVar:

ClinVar aggregate classification (germline): Likely benign. Review status: criteria provided, multiple submitters, no conflicts (2 of 4 stars). 2 submissions from 2 submitters: Likely benign (2). Last evaluated 2026-01-26.

Allele frequency attached by ClinVar (database versions not stated): ExAC 0.00004; gnomAD exomes 0.00006; gnomAD 0.00009; TOPMed 0.00010.
gnomAD v4.1: 87 of 1,365,436 alleles (0.0064%); highest among the groups gnomAD compares: Admixed American, 0.0096%; no homozygotes.

Submissions (2):

Labcorp Genetics (formerly Invitae), Labcorp
Classification: Likely benign. Last evaluated: 2026-01-26. Review status: criteria provided, single submitter. Criteria: Invitae Variant Classification Sherloc (09022015). Collection method: clinical testing. Allele origin: germline.

CeGaT Center for Human Genetics Tuebingen
Classification: Likely benign. Last evaluated: 2023-11-01. Review status: criteria provided, single submitter. Criteria: CeGaT Center For Human Genetics Tuebingen Variant Classification Criteria Version 2. Collection method: clinical testing. Allele origin: germline. Affected: yes. Observed: 1 variant allele.
Comment: ERCC6L2: BP4, BP7

NM_020207.7(ERCC6L2):c.4626C>T (p.Asn1542=)

Gene: ERCC6L2 (ERCC excision repair 6 like 2; plus strand). Cytogenetic location: 9q22.32.
Variant type: single nucleotide variant.
Coding change: c.4626C>T on transcript NM_020207.7 (MANE Select); coding-DNA position 4626, C replaced by T.
Protein change: p.Asn1542=; no amino-acid change (asparagine 1542 retained).
Molecular consequence: synonymous variant. On other transcripts: non-coding transcript variant (1), intron variant (2).
Genome position (GRCh38, 1-based): chr9:96,013,176, C>T. VCF-style: chr9-96013176-C-T. GRCh37 (hg19) VCF-style: chr9-98775458-C-T.
Other names: c.3674+8475C>T (NM_001375291.1, NM_001375292.1).
Identifiers: ClinVar variation 1902982 (VCV001902982.28), dbSNP rs777648962, ClinGen allele CA5140138.
Genomic context (GRCh38, chr9:96,013,176, plus strand): 5'-TTGGAAATCAAATGAGAAATTTTTATGGAAGAAATTTAGCCCAAGTGATACAGATGAAAA[C>T]GCAACCAATACACAGAGTACCACATAAGCATATAAATGAATTACTGCACCAGTAAACTGC-3'
Protein context (NP_064592.3, residues 1532-1550): KKFSPSDTDE[Asn1542=]ATNTQSTT